The following is an entry in ClinVar:

NM_002693.3(POLG):c.586G>A (p.Val196Met)

Genes: POLG (DNA polymerase gamma, catalytic subunit; minus strand), POLGARF (POLG alternative reading frame; minus strand). Cytogenetic location: 15q26.1.
Variant type: single nucleotide variant.
Coding change: c.586G>A on transcript NM_002693.3 (MANE Select); coding-DNA position 586, G replaced by A.
Protein change: p.Val196Met; replaces valine 196 with methionine.
Molecular consequence: missense variant.
Genome position (GRCh38, 1-based): chr15:89,333,169, C>T on the plus strand (G>A on the coding strand, the complement: POLG is on the minus strand). VCF-style: chr15-89333169-C-T. GRCh37 (hg19) VCF-style: chr15-89876400-C-T.
Other names: c.586G>A, p.Val196Met (NM_001126131.2); short protein forms V196M.
Identifiers: ClinVar variation 2819138 (VCV002819138.3), dbSNP rs2141814498, ClinGen allele CA393770593.
Genomic context (GRCh38, chr15:89,333,169, plus strand): 5'-ATATGGCCACCGCCAATGTGGGGCAAGTTCCCTCTGCCAAGCAGACCTCCACGTCGAACA[C>T]CAGGGCCCGCTCCTCGGGGATGGCCACGGGTACGGCCTCCCCCTCGGGGCCGTACCGGGT-3'
Protein context (NP_002684.1, residues 186-206): PVAIPEERAL[Val196Met]FDVEVCLAEG

ClinVar aggregate classification (germline): Uncertain significance (1 of 4 stars; one submission).

Conditions:
Progressive sclerosing poliodystrophy (MTDPS4A). Also called: ALPERS PROGRESSIVE INFANTILE POLIODYSTROPHY; NEURONAL DEGENERATION OF CHILDHOOD WITH LIVER DISEASE, PROGRESSIVE; Alpers Syndrome; ALPERS DIFFUSE DEGENERATION OF CEREBRAL GRAY MATTER WITH HEPATIC CIRRHOSIS; Alpers-Huttenlocher Syndrome; Mitochondrial DNA Depletion Syndrome 4A. Identifiers: Orphanet 726, MedGen C0205710, MONDO:0008758, OMIM 203700.

gnomAD v4.1: 1 of 1,560,378 alleles (0.000064%); no homozygotes.

Submission:

Labcorp Genetics (formerly Invitae), Labcorp
Classification: Uncertain significance for Progressive sclerosing poliodystrophy. Last evaluated: 2023-07-07. Review status: criteria provided, single submitter. Criteria: Invitae Variant Classification Sherloc (09022015). Collection method: clinical testing. Allele origin: germline.
Comment: This sequence change replaces valine, which is neutral and non-polar, with methionine, which is neutral and non-polar, at codon 196 of the POLG protein (p.Val196Met). This variant is not present in population databases (gnomAD no frequency). This variant has not been reported in the literature in individuals affected with POLG-related conditions. Advanced modeling of protein sequence and biophysical properties (such as structural, functional, and spatial information, amino acid conservation, physicochemical variation, residue mobility, and thermodynamic stability) performed at Invitae indicates that this missense variant is expected to disrupt POLG protein function. In summary, the available evidence is currently insufficient to determine the role of this variant in disease. Therefore, it has been classified as a Variant of Uncertain Significance.